The following is an entry in ClinVar:

NM_003283.6(TNNT1):c.376G>C (p.Ala126Pro)

Gene: TNNT1 (troponin T1, slow skeletal type; minus strand). Cytogenetic location: 19q13.42.
Variant type: single nucleotide variant.
Coding change: c.376G>C on transcript NM_003283.6 (MANE Select); coding-DNA position 376, G replaced by C.
Protein change: p.Ala126Pro; replaces alanine 126 with proline.
Molecular consequence: missense variant.
Genome position (GRCh38, 1-based): chr19:55,140,894, C>G on the plus strand (G>C on the coding strand, the complement: TNNT1 is on the minus strand). VCF-style: chr19-55140894-C-G. GRCh37 (hg19) VCF-style: chr19-55652262-C-G.
Other names: c.376G>C, p.Ala126Pro (NM_001126132.3); c.343G>C, p.Ala115Pro (NM_001126133.3, NM_001291774.2); short protein forms A115P, A126P.
Identifiers: ClinVar variation 1714554 (VCV001714554.6), dbSNP rs2515441045, ClinGen allele CA407434884.

ClinVar aggregate classification (germline): Uncertain significance (1 of 4 stars; one submission).

Conditions:
Nemaline myopathy 5 (NEM5A). Also called: Nemaline myopathy 5, Amish type; NEMALINE MYOPATHY, AMISH TYPE; NEMALINE MYOPATHY 5A, AUTOSOMAL RECESSIVE, SEVERE INFANTILE. Identifiers: Orphanet 98902, MedGen C1854380, MONDO:0011539, OMIM 605355.

Submission:

Labcorp Genetics (formerly Invitae), Labcorp
Classification: Uncertain significance for Nemaline myopathy 5. Last evaluated: 2022-08-02. Review status: criteria provided, single submitter. Criteria: Invitae Variant Classification Sherloc (09022015). Collection method: clinical testing. Allele origin: germline.
Comment: In summary, the available evidence is currently insufficient to determine the role of this variant in disease. Therefore, it has been classified as a Variant of Uncertain Significance. Algorithms developed to predict the effect of missense changes on protein structure and function are either unavailable or do not agree on the potential impact of this missense change (SIFT: "Tolerated"; PolyPhen-2: "Probably Damaging"; Align-GVGD: "Class C0"). This variant has not been reported in the literature in individuals affected with TNNT1-related conditions. This variant is not present in population databases (gnomAD no frequency). This sequence change replaces alanine, which is neutral and non-polar, with proline, which is neutral and non-polar, at codon 126 of the TNNT1 protein (p.Ala126Pro).